The following is an entry in ClinVar:

ClinVar aggregate classification (germline): Uncertain significance (1 of 4 stars; one submission).

Submission:

Labcorp Genetics (formerly Invitae), Labcorp
Classification: Uncertain significance. Last evaluated: 2023-10-18. Review status: criteria provided, single submitter. Criteria: Invitae Variant Classification Sherloc (09022015). Collection method: clinical testing. Allele origin: germline.
Comment: This sequence change replaces valine, which is neutral and non-polar, with alanine, which is neutral and non-polar, at codon 108 of the TFRC protein (p.Val108Ala). This variant is not present in population databases (gnomAD no frequency). This variant has not been reported in the literature in individuals affected with TFRC-related conditions. Algorithms developed to predict the effect of missense changes on protein structure and function output the following: SIFT: "Not Available"; PolyPhen-2: "Benign"; Align-GVGD: "Not Available". The alanine amino acid residue is found in multiple mammalian species, which suggests that this missense change does not adversely affect protein function. In summary, the available evidence is currently insufficient to determine the role of this variant in disease. Therefore, it has been classified as a Variant of Uncertain Significance.

NM_001128148.3(TFRC):c.323T>C (p.Val108Ala)

Gene: TFRC (transferrin receptor; minus strand). Cytogenetic location: 3q29.
Variant type: single nucleotide variant.
Coding change: c.323T>C on transcript NM_001128148.3 (MANE Select); coding-DNA position 323, T replaced by C.
Protein change: p.Val108Ala; replaces valine 108 with alanine.
Molecular consequence: missense variant. On other transcripts: intron variant (1).
Genome position (GRCh38, 1-based): chr3:196,074,041, A>G on the plus strand (T>C on the coding strand, the complement: TFRC is on the minus strand). VCF-style: chr3-196074041-A-G. GRCh37 (hg19) VCF-style: chr3-195800912-A-G.
Other names: c.80T>C, p.Val27Ala (NM_001313965.2); c.323T>C, p.Val108Ala (NM_003234.4); c.-412-1889T>C (NM_001313966.2); short protein forms V27A, V108A.
Identifiers: ClinVar variation 2870217 (VCV002870217.3), dbSNP rs2473990985, ClinGen allele CA355578197.